The following is an entry in ClinVar:

ClinVar aggregate classification (germline): Uncertain significance. Review status: criteria provided, multiple submitters, no conflicts (2 of 4 stars). 2 submissions from 2 submitters: Uncertain significance (2). Last evaluated 2025-02-26.

Conditions:
Cardiovascular phenotype. Identifiers: MedGen CN230736.

Submissions (2):

GeneDx
Classification: Uncertain significance. Last evaluated: 2025-02-26. Review status: criteria provided, single submitter. Criteria: GeneDx Variant Classification Process June 2021. Collection method: clinical testing. Allele origin: germline. Affected: yes.
Comment: Not observed at significant frequency in large population cohorts (gnomAD); Has not been previously published as pathogenic or benign to our knowledge

Ambry Genetics
Classification: Uncertain significance for Cardiovascular phenotype. Last evaluated: 2022-04-06. Review status: criteria provided, single submitter. Criteria: Ambry Variant Classification Scheme 2023. Collection method: clinical testing. Allele origin: germline.
Comment: The c.-3G>A variant is located in the 5' untranslated region (5&rsquo; UTR) of the KCNQ1 gene. This variant results from a G to A substitution 3 nucleotides upstream from the first translated codon. Based on nucleotide sequence alignment, this position is highly conserved in available vertebrate species. Since supporting evidence is limited at this time, the clinical significance of this alteration remains unclear.

NM_000218.3(KCNQ1):c.-3G>A

Gene: KCNQ1 (potassium voltage-gated channel subfamily Q member 1; plus strand). Cytogenetic location: 11p15.5.
Variant type: single nucleotide variant.
Coding change: c.-3G>A on transcript NM_000218.3 (MANE Select); 3 bases upstream of the start codon, G replaced by A.
Molecular consequence: 5 prime UTR variant.
Genome position (GRCh38, 1-based): chr11:2,445,096, G>A. VCF-style: chr11-2445096-G-A. GRCh37 (hg19) VCF-style: chr11-2466326-G-A.
Other names: c.-3G>A (NM_001406836.1, NM_001406838.1); c.-365G>A (NM_001406837.1).
Identifiers: ClinVar variation 1736906 (VCV001736906.3), dbSNP rs763924459, ClinGen allele CA037017.
Genomic context (GRCh38, chr11:2,445,096, plus strand): 5'-TCGCCTTCGCTGCAGCTCCCGGTGCCGCCGCTCGGGCCGGCCCCCCGGCAGGCCCTCCTC[G>A]TTATGGCCGCGGCCTCCTCCCCGCCCAGGGCCGAGAGGAAGCGCTGGGGTTGGGGCCGCC-3'